The following is an entry in ClinVar:

NM_144670.6(A2ML1):c.3448del (p.Met1150fs)

Gene: A2ML1 (alpha-2-macroglobulin like 1; plus strand). Cytogenetic location: 12p13.31.
Variant type: Deletion.
Coding change: c.3448del on transcript NM_144670.6 (MANE Select); coding-DNA position 3448, one base deleted (A; older notation c.3448delA).
Protein change: p.Met1150fs; shifts the reading frame from methionine 1150.
Molecular consequence: frameshift variant.
Genome position (GRCh38, 1-based): chr12:8,861,243, A deleted; the last of 3 consecutive A bases (chr12:8,861,241-8,861,243); deleting any one gives the same sequence. VCF-style (leftmost placement, unchanged base first): chr12-8861240-GA-G. GRCh37 (hg19) VCF-style: chr12-9013836-GA-G.
Other names: c.1975del, p.Met659fs (NM_001282424.3); short protein forms M1150fs, M659fs.
Identifiers: ClinVar variation 3711719 (VCV003711719.2).

ClinVar aggregate classification (germline): Uncertain significance (1 of 4 stars; one submission).

Submission:

Labcorp Genetics (formerly Invitae), Labcorp
Classification: Uncertain significance. Last evaluated: 2024-10-03. Review status: criteria provided, single submitter. Criteria: Invitae Variant Classification Sherloc (09022015). Collection method: clinical testing. Allele origin: germline.
Comment: This sequence change creates a premature translational stop signal (p.Met1150Trpfs*11) in the A2ML1 gene. It is expected to result in an absent or disrupted protein product. However, the current clinical and genetic evidence is not sufficient to establish whether loss-of-function variants in A2ML1 cause disease. This variant is not present in population databases (gnomAD no frequency). This variant has not been reported in the literature in individuals affected with A2ML1-related conditions. In summary, the available evidence is currently insufficient to determine the role of this variant in disease. Therefore, it has been classified as a Variant of Uncertain Significance.